The following is an entry in ClinVar:

NM_005235.3(ERBB4):c.1644T>C (p.Asn548=)

Gene: ERBB4 (erb-b2 receptor tyrosine kinase 4; minus strand). Cytogenetic location: 2q34.
Variant type: single nucleotide variant.
Coding change: c.1644T>C on transcript NM_005235.3 (MANE Select); coding-DNA position 1644, T replaced by C.
Protein change: p.Asn548=; no amino-acid change (asparagine 548 retained).
Molecular consequence: synonymous variant.
Genome position (GRCh38, 1-based): chr2:211,673,236, A>G on the plus strand (T>C on the coding strand, the complement: ERBB4 is on the minus strand). VCF-style: chr2-211673236-A-G. GRCh37 (hg19) VCF-style: chr2-212537961-A-G.
Other names: c.1644T>C, p.Asn548= (NM_001042599.2).
Identifiers: ClinVar variation 3032853 (VCV003032853.2), dbSNP rs1331480344, ClinGen allele CA431294011.

ClinVar aggregate classification (germline): Likely benign (0 of 4 stars; one submission).

Conditions:
ERBB4-related disorder. Also called: ERBB4-related condition.

Allele frequency attached by ClinVar (database versions not stated): gnomAD 0.00002; TOPMed 0.00002.
gnomAD v4.1: 14 of 1,613,590 alleles (0.00087%); highest among the groups gnomAD compares: Non-Finnish European, 0.0012%; no homozygotes.

Submission:

PreventionGenetics, part of Exact Sciences
Classification: Likely benign for ERBB4-related condition. Last evaluated: 2022-12-12. Review status: no assertion criteria provided. Collection method: clinical testing. Allele origin: germline.
Comment: This variant is classified as likely benign based on ACMG/AMP sequence variant interpretation guidelines (Richards et al. 2015 PMID: 25741868, with internal and published modifications).